The following is an entry in ClinVar:

NM_000463.3(UGT1A1):c.1026A>T (p.Pro342=)

Genes: UGT1A5 (UDP glucuronosyltransferase family 1 member A5; plus strand), UGT1A6 (UDP glucuronosyltransferase family 1 member A6; plus strand), UGT1A7 (UDP glucuronosyltransferase family 1 member A7; plus strand), UGT1A8 (UDP glucuronosyltransferase family 1 member A8; plus strand), UGT1A9 (UDP glucuronosyltransferase family 1 member A9; plus strand) and 5 more. Cytogenetic location: 2q37.1.
Variant type: single nucleotide variant.
Coding change: c.1026A>T on transcript NM_000463.3 (MANE Select); coding-DNA position 1026, A replaced by T.
Protein change: p.Pro342=; no amino-acid change (proline 342 retained).
Molecular consequence: synonymous variant.
Genome position (GRCh38, 1-based): chr2:233,767,878, A>T. VCF-style: chr2-233767878-A-T. GRCh37 (hg19) VCF-style: chr2-234676524-A-T.
Other names: p.Pro342=; c.1017A>T, p.Pro339= (NM_019075.4, NM_019076.5, NM_019077.3 and 1 more transcripts); c.1023A>T, p.Pro341= (NM_001072.4); c.222A>T, p.Pro74= (NM_205862.3); c.1029A>T, p.Pro343= (NM_019078.2, NM_007120.3, NM_019093.4).
Identifiers: ClinVar variation 598355 (VCV000598355.11), dbSNP rs747062491, ClinGen allele CA2179967.

ClinVar aggregate classification (germline): Conflicting classifications of pathogenicity. Review status: criteria provided, conflicting classifications (1 of 4 stars). 4 submissions from 4 submitters: Uncertain significance (1); Likely benign (3). Last evaluated 2025-12-31.

Conditions:
UGT1A1-related disorder. Also called: UGT1A1-related condition; UGT1A1-related disorders.

Allele frequency attached by ClinVar (database versions not stated): gnomAD 0.00013; TOPMed 0.00013; gnomAD exomes 0.00014 and 0.00021; ExAC 0.00016.
gnomAD v4.1: 328 of 1,614,032 alleles (0.02%); highest among the groups gnomAD compares: Non-Finnish European, 0.027%; no homozygotes.

Submissions (4):

Labcorp Genetics (formerly Invitae), Labcorp
Classification: Likely benign. Last evaluated: 2025-12-31. Review status: criteria provided, single submitter. Criteria: Invitae Variant Classification Sherloc (09022015). Collection method: clinical testing. Allele origin: germline.

PreventionGenetics, part of Exact Sciences
Classification: Likely benign for UGT1A1-related condition. Last evaluated: 2025-07-30. Review status: criteria provided, single submitter. Criteria: ACMG Guidelines, 2015. Collection method: clinical testing. Allele origin: germline.
Comment: This variant is classified as likely benign based on ACMG/AMP sequence variant interpretation guidelines (Richards et al. 2015 PMID: 25741868, with internal and published modifications).

Mayo Clinic Laboratories, Mayo Clinic
Classification: Likely benign. Last evaluated: 2025-04-29. Review status: criteria provided, single submitter. Criteria: ACMG Guidelines, 2015. Collection method: clinical testing. Allele origin: germline. Observed: 2 variant alleles.
Comment: BP4, BP7

Eurofins Ntd Llc (ga)
Classification: Uncertain significance. Last evaluated: 2018-08-10. Review status: criteria provided, single submitter. Criteria: EGL ClinVar v180209 classification definitions. Collection method: clinical testing. Allele origin: germline. Observed: 1 variant allele, 1 heterozygote.